The following is an entry in ClinVar:

NM_181507.2(HPS5):c.3259C>T (p.Leu1087=)

Gene: HPS5 (HPS5 biogenesis of lysosomal organelles complex 2 subunit 2; minus strand). Cytogenetic location: 11p15.1.
Variant type: single nucleotide variant.
Coding change: c.3259C>T on transcript NM_181507.2 (MANE Select); coding-DNA position 3259, C replaced by T.
Protein change: p.Leu1087=; no amino-acid change (leucine 1087 retained).
Molecular consequence: synonymous variant.
Genome position (GRCh38, 1-based): chr11:18,282,020, G>A on the plus strand (C>T on the coding strand, the complement: HPS5 is on the minus strand). VCF-style: chr11-18282020-G-A. GRCh37 (hg19) VCF-style: chr11-18303567-G-A.
Other names: c.2917C>T, p.Leu973= (NM_007216.4, NM_181508.2).
Identifiers: ClinVar variation 303866 (VCV000303866.11), dbSNP rs868410563, ClinGen allele CA10634276.

ClinVar aggregate classification (germline): Conflicting classifications of pathogenicity. Review status: criteria provided, conflicting classifications (1 of 4 stars). 3 submissions from 3 submitters: Uncertain significance (1); Likely benign (1). 1 of the submissions does not count toward it. Last evaluated 2025-07-22.

Conditions:
HPS5-related disorder. Also called: HPS5-related condition.
Hermansky-Pudlak syndrome 5 (HPS5). Identifiers: Orphanet 231512, Orphanet 79430, MedGen C3888004, MONDO:0013557, OMIM 614074.

Allele frequency attached by ClinVar (database versions not stated): gnomAD exomes below 0.00001 and 0.00001; gnomAD 0.00001.
gnomAD v4.1: 23 of 1,614,082 alleles (0.0014%); highest among the groups gnomAD compares: Non-Finnish European, 0.0014%; no homozygotes.

Submissions (3):

Labcorp Genetics (formerly Invitae), Labcorp
Classification: Likely benign. Last evaluated: 2025-07-22. Review status: criteria provided, single submitter. Criteria: Invitae Variant Classification Sherloc (09022015). Collection method: clinical testing. Allele origin: germline.

Illumina Laboratory Services, Illumina
Classification: Uncertain significance for Hermansky-Pudlak syndrome 5. Last evaluated: 2018-01-12. Review status: criteria provided, single submitter. Criteria: ICSL Variant Classification Criteria 13 December 2019. Collection method: clinical testing. Allele origin: germline.

PreventionGenetics, part of Exact Sciences
Classification: Likely benign for HPS5-related condition. Last evaluated: 2019-03-13. Review status: no assertion criteria provided. Collection method: clinical testing. Allele origin: germline. Not counted in ClinVar's aggregate classification.
Comment: This variant is classified as likely benign based on ACMG/AMP sequence variant interpretation guidelines (Richards et al. 2015 PMID: 25741868, with internal and published modifications).